The following is an entry in ClinVar:

NM_020843.4(SCAPER):c.264T>G (p.Thr88=)

Gene: SCAPER (S-phase cyclin A associated protein in the ER; minus strand). Cytogenetic location: 15q24.3.
Variant type: single nucleotide variant.
Coding change: c.264T>G on transcript NM_020843.4 (MANE Select); coding-DNA position 264, T replaced by G.
Protein change: p.Thr88=; no amino-acid change (threonine 88 retained).
Molecular consequence: synonymous variant. On other transcripts: 5 prime UTR variant (4), non-coding transcript variant (1).
Genome position (GRCh38, 1-based): chr15:76,841,863, A>C on the plus strand (T>G on the coding strand, the complement: SCAPER is on the minus strand). VCF-style: chr15-76841863-A-C. GRCh37 (hg19) VCF-style: chr15-77134204-A-C.
Other names: c.-634T>G (NM_001145923.2); c.264T>G, p.Thr88= (NM_001353009.2); c.-139T>G (NM_001353010.2, NM_001353011.2, NM_001353012.2); c.264T>G (NM_001353009.1).
Identifiers: ClinVar variation 4926030 (VCV004926030.2).
Genomic context (GRCh38, chr15:76,841,863, plus strand): 5'-ATCAAAAAGAAATGCCCAGTATCGAGCTCTTAGATCAATTTTCCGAGGGTGCCTTGTTTT[A>C]GTGGGACTTTTATCAAAGTGTTTATCTCCAGTCGTAGACGATGTTATTTTACAGTCCACT-3'
Protein context (NP_065894.2, residues 78-98): TGDKHFDKSP[Thr88=]KTRHPRKIDL

ClinVar aggregate classification (germline): Likely benign. Review status: criteria provided, multiple submitters, no conflicts (2 of 4 stars). 2 submissions from 2 submitters: Likely benign (2). Last evaluated 2024-12-11.

Conditions:
SCAPER-related disorder. Also called: SCAPER-related condition.

gnomAD v4.1: 113 of 1,613,800 alleles (0.007%); highest among the groups gnomAD compares: Admixed American, 0.12%; no homozygotes.

Submissions (2):

PreventionGenetics, part of Exact Sciences
Classification: Likely benign for SCAPER-related condition. Last evaluated: 2024-12-11. Review status: criteria provided, single submitter. Criteria: ACMG Guidelines, 2015. Collection method: clinical testing. Allele origin: germline.
Comment: This variant is classified as likely benign based on ACMG/AMP sequence variant interpretation guidelines (Richards et al. 2015 PMID: 25741868, with internal and published modifications).

Blueprint Genetics
Classification: Likely benign. Last evaluated: 2022-09-02. Review status: criteria provided, single submitter. Criteria: ACMG Guidelines, 2015. Collection method: clinical testing. Allele origin: germline.